The following is an entry in ClinVar:

NM_000038.6(APC):c.7496T>C (p.Val2499Ala)

Gene: APC (APC regulator of Wnt signaling pathway; plus strand). Cytogenetic location: 5q22.2.
Variant type: single nucleotide variant.
Coding change: c.7496T>C on transcript NM_000038.6 (MANE Select); coding-DNA position 7496, T replaced by C.
Protein change: p.Val2499Ala; replaces valine 2499 with alanine.
Molecular consequence: missense variant.
Genome position (GRCh38, 1-based): chr5:112,843,090, T>C. VCF-style: chr5-112843090-T-C. GRCh37 (hg19) VCF-style: chr5-112178787-T-C.
Other names: c.7223T>C, p.Val2408Ala (NM_001354902.2); c.7193T>C, p.Val2398Ala (NM_001354903.2); c.7118T>C, p.Val2373Ala (NM_001354904.2); c.7016T>C, p.Val2339Ala (NM_001354905.2); c.6647T>C, p.Val2216Ala (NM_001354906.2); c.7496T>C, p.Val2499Ala (NM_001127510.3, NM_001354895.2); c.7442T>C, p.Val2481Ala (NM_001127511.3); c.7550T>C, p.Val2517Ala (NM_001354896.2); and 5 more; short protein forms V2216A, V2339A, V2373A, V2398A, V2408A, V2440A, V2458A, V2471A.
Identifiers: ClinVar variation 1171609 (VCV001171609.3), dbSNP rs2149988341, ClinGen allele CA16037634.

ClinVar aggregate classification (germline): Uncertain significance (1 of 4 stars; one submission).

Conditions:
Hereditary cancer-predisposing syndrome. Also called: Tumor predisposition; Hereditary neoplastic syndrome; Hereditary Cancer Syndrome; Neoplastic Syndromes, Hereditary. Identifiers: Orphanet 140162, MedGen C0027672, MeSH D009386, MONDO:0015356.

Submission:

Color Diagnostics, LLC DBA Color Health
Classification: Uncertain significance for Hereditary cancer-predisposing syndrome. Last evaluated: 2024-03-06. Review status: criteria provided, single submitter. Criteria: ACMG Guidelines, 2015. Collection method: clinical testing. Allele origin: germline.
Comment: This missense variant replaces valine with alanine at codon 2499 of the APC protein. Computational prediction suggests that this variant may not impact protein structure and function (internally defined REVEL score threshold <= 0.5, PMID: 27666373). To our knowledge, functional studies have not been reported for this variant. This variant has not been reported in individuals affected with hereditary cancer in the literature. This variant has not been identified in the general population by the Genome Aggregation Database (gnomAD). The available evidence is insufficient to determine the role of this variant in disease conclusively. Therefore, this variant is classified as a Variant of Uncertain Significance.